The following is an entry in ClinVar:

ClinVar aggregate classification (germline): Likely benign (0 of 4 stars; one submission).

Conditions:
SHH-related disorder. Also called: SHH-related disorders; SHH-related condition.

Allele frequency attached by ClinVar (database versions not stated): gnomAD 0.00001; gnomAD exomes 0.00002; TOPMed 0.00002.
gnomAD v4.1: 7 of 471,272 alleles (0.0015%); highest among the groups gnomAD compares: Non-Finnish European, 0.0026%; no homozygotes.

Submission:

PreventionGenetics, part of Exact Sciences
Classification: Likely benign for SHH-related condition. Last evaluated: 2023-03-09. Review status: no assertion criteria provided. Collection method: clinical testing. Allele origin: germline.
Comment: This variant is classified as likely benign based on ACMG/AMP sequence variant interpretation guidelines (Richards et al. 2015 PMID: 25741868, with internal and published modifications).

NM_000193.4(SHH):c.*2737C>T

Gene: SHH (sonic hedgehog signaling molecule; minus strand). Cytogenetic location: 7q36.3.
Variant type: single nucleotide variant.
Coding change: c.*2737C>T on transcript NM_000193.4 (MANE Select); 2737 bases downstream of the stop codon, C replaced by T.
Molecular consequence: 3 prime UTR variant. On other transcripts: synonymous variant (1), non-coding transcript variant (2).
Genome position (GRCh38, 1-based): chr7:155,800,163, G>A on the plus strand (C>T on the coding strand, the complement: SHH is on the minus strand). VCF-style: chr7-155800163-G-A. GRCh37 (hg19) VCF-style: chr7-155592857-G-A.
Other names: c.384C>T, p.Ala128= (NM_001310462.2).
Identifiers: ClinVar variation 3048377 (VCV003048377.2), dbSNP rs1239653562, ClinGen allele CA579079718.